The following is an entry in ClinVar:

ClinVar aggregate classification (germline): Benign (1 of 4 stars; one submission).

Conditions:
Lethal polymalformative syndrome, Boissel type. Also called: GROWTH RETARDATION, DEVELOPMENTAL DELAY, AND FACIAL DYSMORPHISM. Identifiers: Orphanet 210144, MedGen C2752001, MONDO:0013050, OMIM 612938.

Allele frequency attached by ClinVar (database versions not stated): gnomAD 0.00087 and 0.00120; TOPMed 0.00117; 1000 Genomes Project 30x 0.00500; 1000 Genomes Project 0.00599.

Submission:

Illumina Laboratory Services, Illumina
Classification: Benign for Lethal polymalformative syndrome, Boissel type. Last evaluated: 2018-01-13. Review status: criteria provided, single submitter. Criteria: ICSL Variant Classification Criteria 13 December 2019. Collection method: clinical testing. Allele origin: germline.
Comment: This variant was observed in the ICSL laboratory as part of a predisposition screen in an ostensibly healthy population. It had not been previously curated by ICSL or reported in the Human Gene Mutation Database (HGMD: prior to June 1st, 2018), and was therefore a candidate for classification through an automated scoring system. Utilizing variant allele frequency, disease prevalence and penetrance estimates, and inheritance mode, an automated score was calculated to assess if this variant is too frequent to cause the disease. Based on the score and internal cut-off values, a variant classified as benign is not then subjected to further curation. The score for this variant resulted in a classification of benign for this disease.

NM_001080432.3(FTO):c.*1331G>A

Gene: FTO (FTO alpha-ketoglutarate dependent dioxygenase; plus strand). Cytogenetic location: 16q12.2.
Variant type: single nucleotide variant.
Coding change: c.*1331G>A on transcript NM_001080432.3 (MANE Select); 1331 bases downstream of the stop codon, G replaced by A.
Molecular consequence: 3 prime UTR variant.
Genome position (GRCh38, 1-based): chr16:54,113,246, G>A. VCF-style: chr16-54113246-G-A. GRCh37 (hg19) VCF-style: chr16-54147158-G-A.
Other names: c.*1331G>A (NM_001363891.2, NM_001363894.2, NM_001363896.2 and 6 more transcripts); c.*1449G>A (NM_001363903.2); c.*1507G>A (NM_001363988.2).
Identifiers: ClinVar variation 319709 (VCV000319709.5), dbSNP rs116978290, ClinGen allele CA10648574.
Genomic context (GRCh38, chr16:54,113,246, plus strand): 5'-TGACCCCTCCGCCAGTTTTGTCTTGTGATGCCATTAACACATCTCTCCCTTTCTGACCTG[G>A]CTCCTGCCCATTGGTGTCCCAAGAAATCGTGAGAATAGTTAGCCCCCCGTCTCCCCAGCC-3'